The following is an entry in ClinVar:

NM_001035.3(RYR2):c.5836G>A (p.Glu1946Lys)

Gene: RYR2 (ryanodine receptor 2; plus strand). Cytogenetic location: 1q43.
Variant type: single nucleotide variant.
Coding change: c.5836G>A on transcript NM_001035.3 (MANE Select); coding-DNA position 5836, G replaced by A.
Protein change: p.Glu1946Lys; replaces glutamic acid 1946 with lysine.
Molecular consequence: missense variant.
Genome position (GRCh38, 1-based): chr1:237,617,406, G>A. VCF-style: chr1-237617406-G-A. GRCh37 (hg19) VCF-style: chr1-237780706-G-A.
Other names: p.E1946K:GAA>AAA; short protein forms E1946K.
Identifiers: ClinVar variation 73624 (VCV000073624.10), dbSNP rs267598436, ClinGen allele CA010056.
Genomic context (GRCh38, chr1:237,617,406, plus strand): 5'-GTAGCCTTTTCAGATGATTTTGTGGCTAAGCTCCAAGACAATCAACGTTTCCGATACAAC[G>A]AAGTCATGCAAGCCTTAAACATGTCAGCTGCACTCACAGCCAGGAAGACAAAGGAATTTA-3'
Protein context (NP_001026.2, residues 1936-1956): LQDNQRFRYN[Glu1946Lys]VMQALNMSAA

ClinVar aggregate classification (germline): Uncertain significance. Review status: criteria provided, multiple submitters, no conflicts (2 of 4 stars). 3 submissions from 3 submitters: Uncertain significance (3). Last evaluated 2025-08-26.

Conditions:
Cardiomyopathy (CMYO). Also called: Cardiomyopathies. Identifiers: Orphanet 167848, MedGen C0878544, MONDO:0004994, HP:0001638. Inheritance: Various modes of inheritance.
Catecholaminergic polymorphic ventricular tachycardia 1. Also called: VENTRICULAR TACHYCARDIA, CATECHOLAMINERGIC POLYMORPHIC, 1, WITH OR WITHOUT ATRIAL DYSFUNCTION AND/OR DILATED CARDIOMYOPATHY; RYR2-Related Catecholaminergic Polymorphic Ventricular Tachycardia; VENTRICULAR TACHYCARDIA, STRESS-INDUCED POLYMORPHIC 1. Identifiers: Orphanet 3286, MedGen C1631597, MONDO:0011484, OMIM 604772.

Allele frequency attached by ClinVar (database versions not stated): gnomAD exomes below 0.00001; TOPMed 0.00001.
gnomAD v4.1: 2 of 1,613,942 alleles (0.00012%); highest among the groups gnomAD compares: East Asian, 0.0022%; no homozygotes.

Submissions (3):

Labcorp Genetics (formerly Invitae), Labcorp
Classification: Uncertain significance for Catecholaminergic polymorphic ventricular tachycardia 1. Last evaluated: 2025-08-26. Review status: criteria provided, single submitter. Criteria: Invitae Variant Classification Sherloc (09022015). Collection method: clinical testing. Allele origin: germline.
Comment: This sequence change replaces glutamic acid, which is acidic and polar, with lysine, which is basic and polar, at codon 1946 of the RYR2 protein (p.Glu1946Lys). This variant is present in population databases (rs267598436, gnomAD 0.006%). This missense change has been observed in individual(s) with developmental delay (PMID: 28135719). ClinVar contains an entry for this variant (Variation ID: 73624). Invitae Evidence Modeling of protein sequence and biophysical properties (such as structural, functional, and spatial information, amino acid conservation, physicochemical variation, residue mobility, and thermodynamic stability) indicates that this missense variant is not expected to disrupt RYR2 protein function with a negative predictive value of 95%. In summary, the available evidence is currently insufficient to determine the role of this variant in disease. Therefore, it has been classified as a Variant of Uncertain Significance.

Color Diagnostics, LLC DBA Color Health
Classification: Uncertain significance for Cardiomyopathy. Last evaluated: 2024-12-23. Review status: criteria provided, single submitter. Criteria: ACMG Guidelines, 2015. Collection method: clinical testing. Allele origin: germline.
Comment: This missense variant replaces glutamic acid with lysine at codon 1946 of the RYR2 protein. Computational prediction suggests that this variant may not impact protein structure and function. To our knowledge, functional studies have not been reported for this variant. This variant has not been reported in individuals affected with RYR2-related disorders in the literature. This variant has been identified in 1/248970 chromosomes in the general population by the Genome Aggregation Database (gnomAD). The available evidence is insufficient to determine the role of this variant in disease conclusively. Therefore, this variant is classified as a Variant of Uncertain Significance.

GeneDx
Classification: Uncertain significance. Last evaluated: 2012-01-10. Review status: criteria provided, single submitter. Criteria: GeneDx Variant Classification (06012015). Collection method: clinical testing. Allele origin: germline. Affected: yes.
Comment: This variant is denoted c.5836 G>A at the cDNA level or p.Glu1946Lys (E1946K) at the protein level. The Glu1946Lys variant in the RYR2 gene has not been reported previously as a disease-causing mutation or as a benign polymorphism, to our knowledge. Glu1946Lys results in a non-conservative amino acid substitution of a negatively charged Glutamic acid with a positively charged Lysine at a residue that is conserved across species. The Glu1946Lys variant was not detected in up to 600 alleles from control individuals of Caucasian and African American ancestry tested at GeneDx. The NHLBI ESP Exome Variant Server reports Glu1946Lys was not observed in approximately 4,500 samples from individuals of European and African American backgrounds. However, no disease-causing mutations have been reported in surrounding residues and Glu1946Lys is not located within any of the three mutation hot spot regions in the RYR2 gene. In summary, with the clinical and molecular information available at this time, the clinical significance of the Glu1946Lys variant in the RYR2 gene remains unknown. The variant is found in CPVT panel(s).

Literature cited by the submitters: PubMed 28135719 (cited by Labcorp Genetics (formerly Invitae), Labcorp).